The following is an entry in ClinVar:

NM_002299.4(LCT):c.3607G>A (p.Val1203Ile)

Gene: LCT (lactase; minus strand). Cytogenetic location: 2q21.3.
Variant type: single nucleotide variant.
Coding change: c.3607G>A on transcript NM_002299.4 (MANE Select); coding-DNA position 3607, G replaced by A.
Protein change: p.Val1203Ile; replaces valine 1203 with isoleucine.
Molecular consequence: missense variant.
Genome position (GRCh38, 1-based): chr2:135,808,740, C>T on the plus strand (G>A on the coding strand, the complement: LCT is on the minus strand). VCF-style: chr2-135808740-C-T. GRCh37 (hg19) VCF-style: chr2-136566310-C-T.
Other names: short protein forms V1203I.
Identifiers: ClinVar variation 1924700 (VCV001924700.5), dbSNP rs770404998, ClinGen allele CA1888031.

ClinVar aggregate classification (germline): Uncertain significance (1 of 4 stars; one submission).

Allele frequency attached by ClinVar (database versions not stated): gnomAD exomes below 0.00001; ExAC 0.00001; gnomAD 0.00001; TOPMed 0.00001.
gnomAD v4.1: 8 of 1,614,050 alleles (0.0005%); highest among the groups gnomAD compares: African/African-American, 0.0013%; no homozygotes.

Submission:

Labcorp Genetics (formerly Invitae), Labcorp
Classification: Uncertain significance. Last evaluated: 2024-10-21. Review status: criteria provided, single submitter. Criteria: Invitae Variant Classification Sherloc (09022015). Collection method: clinical testing. Allele origin: germline.
Comment: This sequence change replaces valine, which is neutral and non-polar, with isoleucine, which is neutral and non-polar, at codon 1203 of the LCT protein (p.Val1203Ile). This variant is present in population databases (rs770404998, gnomAD 0.002%). This variant has not been reported in the literature in individuals affected with LCT-related conditions. ClinVar contains an entry for this variant (Variation ID: 1924700). Invitae Evidence Modeling of protein sequence and biophysical properties (such as structural, functional, and spatial information, amino acid conservation, physicochemical variation, residue mobility, and thermodynamic stability) indicates that this missense variant is expected to disrupt LCT protein function with a positive predictive value of 80%. In summary, the available evidence is currently insufficient to determine the role of this variant in disease. Therefore, it has been classified as a Variant of Uncertain Significance.